The following is an entry in ClinVar:

ClinVar aggregate classification (germline): Pathogenic. Review status: criteria provided, single submitter (1 of 4 stars). 2 submissions from 2 submitters: Pathogenic (1). 1 of the submissions does not count toward it. Last evaluated 2023-08-17.

Conditions:
Charcot-Marie-Tooth disease, type I (CMT1). Also called: Charcot-Marie-Tooth disease type 1; Charcot-Marie-Tooth, Type 1. Identifiers: Orphanet 65753, MedGen C0751036, MONDO:0019011.

Submissions (2):

Labcorp Genetics (formerly Invitae), Labcorp
Classification: Pathogenic for Charcot-Marie-Tooth disease, type I. Last evaluated: 2023-08-17. Review status: criteria provided, single submitter. Criteria: Invitae Variant Classification Sherloc (09022015). Collection method: clinical testing. Allele origin: germline.
Comment: This sequence change replaces serine, which is neutral and polar, with phenylalanine, which is neutral and non-polar, at codon 140 of the MPZ protein (p.Ser140Phe). This variant is not present in population databases (gnomAD no frequency). This missense change has been observed in individuals with clinical features of Charcot-Marie-Tooth disease (Invitae). ClinVar contains an entry for this variant (Variation ID: 531698). Advanced modeling of protein sequence and biophysical properties (such as structural, functional, and spatial information, amino acid conservation, physicochemical variation, residue mobility, and thermodynamic stability) performed at Invitae indicates that this missense variant is expected to disrupt MPZ protein function. This variant disrupts the p.Ser140 amino acid residue in MPZ. Other variant(s) that disrupt this residue have been determined to be pathogenic (PMID: 24028194; Invitae). This suggests that this residue is clinically significant, and that variants that disrupt this residue are likely to be disease-causing. For these reasons, this variant has been classified as Pathogenic.

Inherited Neuropathy Consortium
Classification: Likely pathogenic. Review status: no assertion criteria provided. Collection method: provider interpretation. Allele origin: inherited. Affected: yes. Not counted in ClinVar's aggregate classification.

Literature cited by the submitters: PubMed 24028194 (cited by Labcorp Genetics (formerly Invitae), Labcorp).

NM_000530.8(MPZ):c.419C>T (p.Ser140Phe)

Gene: MPZ (myelin protein zero; minus strand). Cytogenetic location: 1q23.3.
Variant type: single nucleotide variant.
Coding change: c.419C>T on transcript NM_000530.8 (MANE Select); coding-DNA position 419, C replaced by T.
Protein change: p.Ser140Phe; replaces serine 140 with phenylalanine.
Molecular consequence: missense variant.
Genome position (GRCh38, 1-based): chr1:161,306,737, G>A on the plus strand (C>T on the coding strand, the complement: MPZ is on the minus strand). VCF-style: chr1-161306737-G-A. GRCh37 (hg19) VCF-style: chr1-161276527-G-A.
Other names: c.419C>T (LRG_256t1); c.419C>T, p.Ser140Phe (NM_001315491.2); short protein forms S140F.
Identifiers: ClinVar variation 531698 (VCV000531698.12), dbSNP rs863224449, ClinGen allele CA343348497.